The following is an entry in ClinVar:

NM_201384.3(PLEC):c.8146C>A (p.Leu2716Met)

Gene: PLEC (plectin; minus strand). Cytogenetic location: 8q24.3.
Variant type: single nucleotide variant.
Coding change: c.8146C>A on transcript NM_201384.3 (MANE Select); coding-DNA position 8146, C replaced by A.
Protein change: p.Leu2716Met; replaces leucine 2716 with methionine.
Molecular consequence: missense variant.
Genome position (GRCh38, 1-based): chr8:143,921,675, G>T on the plus strand (C>A on the coding strand, the complement: PLEC is on the minus strand). VCF-style: chr8-143921675-G-T. GRCh37 (hg19) VCF-style: chr8-144995843-G-T.
Other names: c.8227C>A, p.Leu2743Met (NM_000445.5); c.4846C>A, p.Leu1616Met (NM_001410941.1); c.8104C>A, p.Leu2702Met (NM_201378.4); c.8080C>A, p.Leu2694Met (NM_201379.3); c.8557C>A, p.Leu2853Met (NM_201380.4); c.8050C>A, p.Leu2684Met (NM_201381.3); c.8146C>A, p.Leu2716Met (NM_201382.4); c.8158C>A, p.Leu2720Met (NM_201383.3); short protein forms L2684M, L2743M, L2853M, L2694M, L2702M, L2720M, L1616M, L2716M.
Identifiers: ClinVar variation 2949340 (VCV002949340.3), dbSNP rs900058084, ClinGen allele CA372519006.

ClinVar aggregate classification (germline): Uncertain significance (1 of 4 stars; one submission).

Conditions:
Epidermolysis bullosa simplex with nail dystrophy (EBS5D). Identifiers: MedGen C4225309, MONDO:0014661, OMIM 616487.
Epidermolysis bullosa simplex, Ogna type (EBS5A). Also called: Pidermolysis bullosa simplex 5A, Ogna type; EPIDERMOLYSIS BULLOSA SIMPLEX 5A, OGNA TYPE. Identifiers: Orphanet 79401, MedGen C0432317, MONDO:0007555, OMIM 131950.
Autosomal recessive limb-girdle muscular dystrophy type 2Q (LGMDR17). Also called: MUSCULAR DYSTROPHY, LIMB-GIRDLE, AUTOSOMAL RECESSIVE 17. Identifiers: Orphanet 254361, MedGen C3150989, MONDO:0013390, OMIM 613723.
Epidermolysis bullosa simplex 5B, with muscular dystrophy (EBS5B). Also called: EPIDERMOLYSIS BULLOSA SIMPLEX AND LIMB-GIRDLE MUSCULAR DYSTROPHY; Epidermolysis bullosa simplex with muscular dystrophy. Identifiers: Orphanet 257, MedGen C2931072, MONDO:0009181, OMIM 226670.
Epidermolysis bullosa simplex 5C, with pyloric atresia (EBS5C). Also called: PLEC-Related Epidermolysis Bullosa with Pyloric Atresia; Epidermolysis bullosa simplex with pyloric atresia; PLEC1-Related Epidermolysis Bullosa with Pyloric Atresia. Identifiers: Orphanet 158684, MedGen C2677349, MONDO:0012807, OMIM 612138.

Submission:

Labcorp Genetics (formerly Invitae), Labcorp
Classification: Uncertain significance for Autosomal recessive limb-girdle muscular dystrophy type 2Q; Epidermolysis bullosa simplex, Ogna type; Epidermolysis bullosa simplex with nail dystrophy; Epidermolysis bullosa simplex 5C, with pyloric atresia; Epidermolysis bullosa simplex 5B, with muscular dystrophy. Last evaluated: 2023-06-27. Review status: criteria provided, single submitter. Criteria: Invitae Variant Classification Sherloc (09022015). Collection method: clinical testing. Allele origin: germline.
Comment: This sequence change replaces leucine, which is neutral and non-polar, with methionine, which is neutral and non-polar, at codon 2743 of the PLEC protein (p.Leu2743Met). This variant is not present in population databases (gnomAD no frequency). This variant has not been reported in the literature in individuals affected with PLEC-related conditions. Advanced modeling of protein sequence and biophysical properties (such as structural, functional, and spatial information, amino acid conservation, physicochemical variation, residue mobility, and thermodynamic stability) performed at Invitae indicates that this missense variant is not expected to disrupt PLEC protein function. In summary, the available evidence is currently insufficient to determine the role of this variant in disease. Therefore, it has been classified as a Variant of Uncertain Significance.